The following is an entry in ClinVar:

NM_000257.4(MYH7):c.1159C>T (p.Leu387Phe)

Gene: MYH7 (myosin heavy chain 7; minus strand). Cytogenetic location: 14q11.2.
Variant type: single nucleotide variant.
Coding change: c.1159C>T on transcript NM_000257.4 (MANE Select); coding-DNA position 1159, C replaced by T.
Protein change: p.Leu387Phe; replaces leucine 387 with phenylalanine.
Molecular consequence: missense variant.
Genome position (GRCh38, 1-based): chr14:23,429,327, G>A on the plus strand (C>T on the coding strand, the complement: MYH7 is on the minus strand). VCF-style: chr14-23429327-G-A. GRCh37 (hg19) VCF-style: chr14-23898536-G-A.
Other names: short protein forms L387F.
Identifiers: ClinVar variation 524975 (VCV000524975.8), dbSNP rs1555338378, ClinGen allele CA389051219.

ClinVar aggregate classification (germline): Pathogenic (1 of 4 stars; one submission).

Conditions:
Hypertrophic cardiomyopathy. Also called: HYPERTROPHIC MYOCARDIOPATHY. Identifiers: Orphanet 217569, MedGen C0007194, MeSH D002312, MONDO:0005045, HP:0001639.

Submission:

Labcorp Genetics (formerly Invitae), Labcorp
Classification: Pathogenic for Hypertrophic cardiomyopathy. Last evaluated: 2023-03-23. Review status: criteria provided, single submitter. Criteria: Invitae Variant Classification Sherloc (09022015). Collection method: clinical testing. Allele origin: germline.
Comment: This sequence change replaces leucine, which is neutral and non-polar, with phenylalanine, which is neutral and non-polar, at codon 387 of the MYH7 protein (p.Leu387Phe). This variant is not present in population databases (gnomAD no frequency). This missense change has been observed in individual(s) with left ventricular noncompaction (PMID: 31147515; Invitae). It has also been observed to segregate with disease in related individuals. ClinVar contains an entry for this variant (Variation ID: 524975). Advanced modeling of protein sequence and biophysical properties (such as structural, functional, and spatial information, amino acid conservation, physicochemical variation, residue mobility, and thermodynamic stability) performed at Invitae indicates that this missense variant is expected to disrupt MYH7 protein function. For these reasons, this variant has been classified as Pathogenic.

Literature cited by the submitters: PubMed 31147515.